The following is an entry in ClinVar:

ClinVar aggregate classification (germline): Uncertain significance. Review status: criteria provided, multiple submitters, no conflicts (2 of 4 stars). 3 submissions from 3 submitters: Uncertain significance (3). Last evaluated 2025-12-21.

Conditions:
Hereditary cancer-predisposing syndrome. Also called: Hereditary Cancer Syndrome; Hereditary neoplastic syndrome; Neoplastic Syndromes, Hereditary; Tumor predisposition. Identifiers: Orphanet 140162, MedGen C0027672, MeSH D009386, MONDO:0015356.

Allele frequency attached by ClinVar (database versions not stated): ExAC 0.00001; gnomAD exomes 0.00001; TOPMed 0.00002.
gnomAD v4.1: 27 of 1,585,458 alleles (0.0017%); highest among the groups gnomAD compares: African/African-American, 0.0027%; no homozygotes.

Submissions (3):

Labcorp Genetics (formerly Invitae), Labcorp
Classification: Uncertain significance. Last evaluated: 2025-12-21. Review status: criteria provided, single submitter. Criteria: Invitae Variant Classification Sherloc (09022015). Collection method: clinical testing. Allele origin: germline.
Comment: This sequence change replaces glutamic acid, which is acidic and polar, with lysine, which is basic and polar, at codon 719 of the POLE protein (p.Glu719Lys). The frequency data for this variant in the population databases is considered unreliable, as metrics indicate poor data quality at this position in the gnomAD database. This variant has not been reported in the literature in individuals affected with POLE-related conditions. ClinVar contains an entry for this variant (Variation ID: 405856). Invitae Evidence Modeling of protein sequence and biophysical properties (such as structural, functional, and spatial information, amino acid conservation, physicochemical variation, residue mobility, and thermodynamic stability) indicates that this missense variant is not expected to disrupt POLE protein function with a negative predictive value of 80%. In summary, the available evidence is currently insufficient to determine the role of this variant in disease. Therefore, it has been classified as a Variant of Uncertain Significance.

Ambry Genetics
Classification: Uncertain significance for Hereditary cancer-predisposing syndrome. Last evaluated: 2024-12-13. Review status: criteria provided, single submitter. Criteria: Ambry Variant Classification Scheme 2023. Collection method: clinical testing. Allele origin: germline.
Comment: The p.E719K variant (also known as c.2155G>A), located in coding exon 19 of the POLE gene, results from a G to A substitution at nucleotide position 2155. The glutamic acid at codon 719 is replaced by lysine, an amino acid with similar properties. This amino acid position is highly conserved in available vertebrate species. In addition, the in silico prediction for this alteration is inconclusive. Based on the available evidence, the clinical significance of this variant remains unclear.

GeneDx
Classification: Uncertain significance. Last evaluated: 2024-08-14. Review status: criteria provided, single submitter. Criteria: GeneDx Variant Classification Process June 2021. Collection method: clinical testing. Allele origin: germline. Affected: yes.
Comment: Not observed at significant frequency in large population cohorts (gnomAD); In silico analysis supports that this missense variant has a deleterious effect on protein structure/function; Has not been previously published as pathogenic or benign to our knowledge; This variant is associated with the following publications: (PMID: 29056344)

NM_006231.4(POLE):c.2155G>A (p.Glu719Lys)

Gene: POLE (DNA polymerase epsilon, catalytic subunit; minus strand). Cytogenetic location: 12q24.33.
Variant type: single nucleotide variant.
Coding change: c.2155G>A on transcript NM_006231.4 (MANE Select); coding-DNA position 2155, G replaced by A.
Protein change: p.Glu719Lys; replaces glutamic acid 719 with lysine.
Molecular consequence: missense variant.
Genome position (GRCh38, 1-based): chr12:132,668,374, C>T on the plus strand (G>A on the coding strand, the complement: POLE is on the minus strand). VCF-style: chr12-132668374-C-T. GRCh37 (hg19) VCF-style: chr12-133244960-C-T.
Other names: short protein forms E719K.
Identifiers: ClinVar variation 405856 (VCV000405856.13), dbSNP rs765254190, ClinGen allele CA6893664.
Genomic context (GRCh38, chr12:132,668,374, plus strand): 5'-GGAGCCACATCTTTACAGCCGTGACCATGCCCAGGCACTCACCCGCCAGCCTTCTCTTCT[C>T]GTATTTCGCCTGTTCCTCGCGGGACAGTTCATGAAAGGCCCGAGCTGGCCCCTCTGGGAA-3'
Protein context (NP_006222.2, residues 709-729): ELSREEQAKY[Glu719Lys]KRRLADYCRK